The following is an entry in ClinVar:

ClinVar aggregate classification (germline): Uncertain significance (1 of 4 stars; one submission).

Submission:

Labcorp Genetics (formerly Invitae), Labcorp
Classification: Uncertain significance. Last evaluated: 2022-03-30. Review status: criteria provided, single submitter. Criteria: Invitae Variant Classification Sherloc (09022015). Collection method: clinical testing. Allele origin: germline.
Comment: This variant has not been reported in the literature in individuals affected with ARSG-related conditions. In summary, the available evidence is currently insufficient to determine the role of this variant in disease. Therefore, it has been classified as a Variant of Uncertain Significance. Algorithms developed to predict the effect of sequence changes on RNA splicing suggest that this variant may create or strengthen a splice site. Algorithms developed to predict the effect of missense changes on protein structure and function are either unavailable or do not agree on the potential impact of this missense change (SIFT: "Deleterious"; PolyPhen-2: "Possibly Damaging"; Align-GVGD: "Class C0"). This variant is not present in population databases (gnomAD no frequency). This sequence change replaces glycine, which is neutral and non-polar, with arginine, which is basic and polar, at codon 133 of the ARSG protein (p.Gly133Arg).

NM_001267727.2(ARSG):c.397G>A (p.Gly133Arg)

Gene: ARSG (arylsulfatase G; plus strand). Cytogenetic location: 17q24.2.
Variant type: single nucleotide variant.
Coding change: c.397G>A on transcript NM_001267727.2 (MANE Select); coding-DNA position 397, G replaced by A.
Protein change: p.Gly133Arg; replaces glycine 133 with arginine.
Molecular consequence: missense variant.
Genome position (GRCh38, 1-based): chr17:68,343,782, G>A. VCF-style: chr17-68343782-G-A. GRCh37 (hg19) VCF-style: chr17-66339923-G-A.
Other names: c.397G>A, p.Gly133Arg (NM_001352899.2, NM_001352900.2, NM_001352901.2 and 9 more transcripts); short protein forms G133R.
Identifiers: ClinVar variation 2037023 (VCV002037023.4), dbSNP rs2510529118, ClinGen allele CA400738719.